The following is an entry in ClinVar:

NM_000539.3(RHO):c.851G>A (p.Gly284Asp)

Gene: RHO (rhodopsin; plus strand). Cytogenetic location: 3q22.1.
Variant type: single nucleotide variant.
Coding change: c.851G>A on transcript NM_000539.3 (MANE Select); coding-DNA position 851, G replaced by A.
Protein change: p.Gly284Asp; replaces glycine 284 with aspartic acid.
Molecular consequence: missense variant.
Genome position (GRCh38, 1-based): chr3:129,532,687, G>A. VCF-style: chr3-129532687-G-A. GRCh37 (hg19) VCF-style: chr3-129251530-G-A.
Other names: short protein forms G284D.
Identifiers: ClinVar variation 1687550 (VCV001687550.1), dbSNP rs2084791045, ClinGen allele CA354470585.

ClinVar aggregate classification (germline): Likely pathogenic (1 of 4 stars; one submission).

Conditions:
Retinitis pigmentosa 4 (RP4). Also called: RETINITIS PIGMENTOSA, RHODOPSIN-RELATED. Identifiers: Orphanet 791, MedGen C3151001, MONDO:0013395, OMIM 613731.

gnomAD v4.1: 4 of 1,614,246 alleles (0.00025%); highest among the groups gnomAD compares: Non-Finnish European, 0.00034%; no homozygotes.

Submission:

3billion
Classification: Likely pathogenic for Retinitis pigmentosa 4. Last evaluated: 2022-05-22. Review status: criteria provided, single submitter. Criteria: ACMG Guidelines, 2015. Collection method: clinical testing. Allele origin: germline. Affected: yes. Observed: 1 heterozygote.
Comment: The variant is not observed in the gnomAD v2.1.1 dataset. Missense changes are a common disease-causing mechanism. In silico tool predictions suggest damaging effect of the variant on gene or gene product (REVEL: 0.37; 3Cnet: 0.96). Same nucleotide change resulting in same amino acid change has been previously reported to be associated with RHO related disorder (PMID: 30029497). A different missense change at the same codon (p.Gly284Ser) has been reported to be associated with RHO related disorder (PMID: 15145060). Therefore, this variant is classified as likely pathogenic according to the recommendation of ACMG/AMP guideline.

Literature cited by the submitters: PubMed 30029497; PubMed 15145060.